The following is an entry in ClinVar:

NC_000004.11:g.(?_107114746)_(107181687_?)del

Gene: TBCK (TBC1 domain containing kinase; minus strand). Cytogenetic location: 4q24.
Variant type: Deletion.
Identifiers: ClinVar variation 3246720 (VCV003246720.1).

ClinVar aggregate classification (germline): Pathogenic (1 of 4 stars; one submission).

Submission:

Labcorp Genetics (formerly Invitae), Labcorp
Classification: Pathogenic. Last evaluated: 2023-12-12. Review status: criteria provided, single submitter. Criteria: Invitae Variant Classification Sherloc (09022015). Collection method: clinical testing. Allele origin: unknown.
Comment: This variant is a gross deletion of the genomic region encompassing exon(s) 5-22 of the TBCK gene. This deletion is out-of-frame, and is expected to create a premature termination codon and result in an absent or disrupted protein product. Loss-of-function variants in TBCK are known to be pathogenic (PMID: 27040692, 30103036). This variant has not been reported in the literature in individuals affected with TBCK-related conditions. For these reasons, this variant has been classified as Pathogenic.

Literature cited by the submitters: PubMed 27040692; PubMed 30103036.